The following is an entry in ClinVar:

NM_013275.6(ANKRD11):c.4858C>A (p.Leu1620Ile)

Gene: ANKRD11 (ankyrin repeat domain 11; minus strand). Cytogenetic location: 16q24.3.
Variant type: single nucleotide variant.
Coding change: c.4858C>A on transcript NM_013275.6 (MANE Select); coding-DNA position 4858, C replaced by A.
Protein change: p.Leu1620Ile; replaces leucine 1620 with isoleucine.
Molecular consequence: missense variant.
Genome position (GRCh38, 1-based): chr16:89,281,684, G>T on the plus strand (C>A on the coding strand, the complement: ANKRD11 is on the minus strand). VCF-style: chr16-89281684-G-T. GRCh37 (hg19) VCF-style: chr16-89348092-G-T.
Other names: c.4858C>A (NM_013275.4); c.4858C>A, p.Leu1620Ile (NM_001256182.2, NM_001256183.2); short protein forms L1620I.
Identifiers: ClinVar variation 2769861 (VCV002769861.5), dbSNP rs760243743, ClinGen allele CA8242030.
Genomic context (GRCh38, chr16:89,281,684, plus strand): 5'-TAGCAGGAATGTCCAGACCCTTCTTCCGCCCGTCGTCTGCCGGCTTCGCCTTCTCCTTGA[G>T]CTTGGGGTCTCCGGACCGGTGCCTCAGCTTCTCCATTTGCTTCATCCTCTCCTTGTGCCG-3'
Protein context (NP_037407.4, residues 1610-1630): KLRHRSGDPK[Leu1620Ile]KEKAKPADDG

ClinVar aggregate classification (germline): Conflicting classifications of pathogenicity. Review status: criteria provided, conflicting classifications (1 of 4 stars). 2 submissions from 2 submitters: Uncertain significance (1); Likely benign (1). Last evaluated 2026-05-21.

Conditions:
KBG syndrome (KBGS). Also called: ANKRD11-Related KBG Syndrome. Identifiers: Orphanet 2332, MedGen C0220687, MONDO:0007846, OMIM 148050.
Inborn genetic diseases. Identifiers: MedGen C0950123, MeSH D030342.

Allele frequency attached by ClinVar (database versions not stated): gnomAD 0.00001; ExAC 0.00002.
gnomAD v4.1: 4 of 1,614,040 alleles (0.00025%); highest among the groups gnomAD compares: African/African-American, 0.0053%; no homozygotes.

Submissions (2):

Ambry Genetics
Classification: Likely benign for Inborn genetic diseases. Last evaluated: 2026-05-21. Review status: criteria provided, single submitter. Criteria: Ambry Variant Classification Scheme 2023. Collection method: clinical testing. Allele origin: germline.

Labcorp Genetics (formerly Invitae), Labcorp
Classification: Uncertain significance for KBG syndrome. Last evaluated: 2024-08-18. Review status: criteria provided, single submitter. Criteria: Invitae Variant Classification Sherloc (09022015). Collection method: clinical testing. Allele origin: germline.
Comment: This sequence change replaces leucine, which is neutral and non-polar, with isoleucine, which is neutral and non-polar, at codon 1620 of the ANKRD11 protein (p.Leu1620Ile). This variant is present in population databases (rs760243743, gnomAD 0.02%). This variant has not been reported in the literature in individuals affected with ANKRD11-related conditions. Invitae Evidence Modeling of protein sequence and biophysical properties (such as structural, functional, and spatial information, amino acid conservation, physicochemical variation, residue mobility, and thermodynamic stability) indicates that this missense variant is not expected to disrupt ANKRD11 protein function with a negative predictive value of 95%. In summary, the available evidence is currently insufficient to determine the role of this variant in disease. Therefore, it has been classified as a Variant of Uncertain Significance.